The following is an entry in ClinVar:

NM_030912.3(TRIM8):c.1529C>T (p.Pro510Leu)

Gene: TRIM8 (tripartite motif containing 8; plus strand). Cytogenetic location: 10q24.32.
Variant type: single nucleotide variant.
Coding change: c.1529C>T on transcript NM_030912.3 (MANE Select); coding-DNA position 1529, C replaced by T.
Protein change: p.Pro510Leu; replaces proline 510 with leucine.
Molecular consequence: missense variant. On other transcripts: non-coding transcript variant (1).
Genome position (GRCh38, 1-based): chr10:102,657,227, C>T. VCF-style: chr10-102657227-C-T. GRCh37 (hg19) VCF-style: chr10-104416984-C-T.
Other names: c.1433C>T, p.Pro478Leu (NM_001345950.1); short protein forms P510L, P478L.
Identifiers: ClinVar variation 4727152 (VCV004727152.1).
Genomic context (GRCh38, chr10:102,657,227, plus strand): 5'-CCGGCCACTTTCCCTGGACAGTGCCCTCGCAGGAGTACTCACACCCGCTCCCGCCCACAC[C>T]CTCCGTCCCCCAGTCCCTTCCCAGCCTGGCGGTCAGAGACTGGCTTGACGCCTCCCAGCA-3'
Protein context (NP_112174.2, residues 500-520): QEYSHPLPPT[Pro510Leu]SVPQSLPSLA

ClinVar aggregate classification (germline): Uncertain significance (1 of 4 stars; one submission).

gnomAD v4.1: 2 of 1,614,070 alleles (0.00012%); highest among the groups gnomAD compares: Non-Finnish European, 0.00017%; no homozygotes.

Submission:

Labcorp Genetics (formerly Invitae), Labcorp
Classification: Uncertain significance. Last evaluated: 2025-09-14. Review status: criteria provided, single submitter. Criteria: Invitae Variant Classification Sherloc (09022015). Collection method: clinical testing. Allele origin: germline.
Comment: This sequence change replaces proline, which is neutral and non-polar, with leucine, which is neutral and non-polar, at codon 510 of the TRIM8 protein (p.Pro510Leu). This variant is not present in population databases (gnomAD no frequency). This variant has not been reported in the literature in individuals affected with TRIM8-related conditions. An algorithm developed to predict the effect of missense changes on protein structure and function (PolyPhen-2) suggests that this variant is likely to be disruptive. In summary, the available evidence is currently insufficient to determine the role of this variant in disease. Therefore, it has been classified as a Variant of Uncertain Significance.